The following is an entry in ClinVar:

ClinVar aggregate classification (germline): Pathogenic (1 of 4 stars; one submission).

Submission:

Labcorp Genetics (formerly Invitae), Labcorp
Classification: Pathogenic. Last evaluated: 2021-09-29. Review status: criteria provided, single submitter. Criteria: Invitae Variant Classification Sherloc (09022015). Collection method: clinical testing. Allele origin: germline.
Comment: For these reasons, this variant has been classified as Pathogenic. This variant disrupts the triple helix domain of COL4A5. Glycine residues within the Gly-Xaa-Yaa repeats of the triple helix domain are required for the structure and stability of fibrillar collagens (PMID: 7695699, 8218237, 19344236). In COL4A5, missense variants at these glycine residues are significantly enriched in individuals with disease (PMID: 23720012, 27627812) compared to the general population (ExAC). This variant has not been reported in the literature in individuals affected with COL4A5-related conditions. This variant is a gross deletion of the genomic region encompassing exon(s) 2-6 of the COL4A5 gene. This variant would be expected to be in-frame, preserving the integrity of the reading frame.

Literature cited by the submitters: PubMed 7695699; PubMed 8218237; PubMed 19344236; PubMed 23720012; PubMed 27627812.

NC_000023.10:g.(?_107782966)_(107812061_?)del

Gene: COL4A5 (collagen type IV alpha 5 chain; plus strand). Cytogenetic location: Xq22.3.
Variant type: Deletion.
Identifiers: ClinVar variation 1404904 (VCV001404904.4).